The following is an entry in ClinVar:

NM_001567.4(INPPL1):c.443C>T (p.Thr148Ile)

Gene: INPPL1 (inositol polyphosphate phosphatase like 1; plus strand). Cytogenetic location: 11q13.4.
Variant type: single nucleotide variant.
Coding change: c.443C>T on transcript NM_001567.4 (MANE Select); coding-DNA position 443, C replaced by T.
Protein change: p.Thr148Ile; replaces threonine 148 with isoleucine.
Molecular consequence: missense variant.
Genome position (GRCh38, 1-based): chr11:72,228,772, C>T. VCF-style: chr11-72228772-C-T. GRCh37 (hg19) VCF-style: chr11-71939816-C-T.
Other names: short protein forms T148I.
Identifiers: ClinVar variation 2163099 (VCV002163099.4), dbSNP rs201045134, ClinGen allele CA224375255.

ClinVar aggregate classification (germline): Uncertain significance (1 of 4 stars; one submission).

Allele frequency attached by ClinVar (database versions not stated): gnomAD 0.00001; gnomAD exomes 0.00001; TOPMed 0.00001.
gnomAD v4.1: 10 of 1,612,330 alleles (0.00062%); highest among the groups gnomAD compares: Admixed American, 0.0017%; no homozygotes.

Submission:

Labcorp Genetics (formerly Invitae), Labcorp
Classification: Uncertain significance. Last evaluated: 2024-02-17. Review status: criteria provided, single submitter. Criteria: Invitae Variant Classification Sherloc (09022015). Collection method: clinical testing. Allele origin: germline.
Comment: This sequence change replaces threonine, which is neutral and polar, with isoleucine, which is neutral and non-polar, at codon 148 of the INPPL1 protein (p.Thr148Ile). This variant is not present in population databases (gnomAD no frequency). This variant has not been reported in the literature in individuals affected with INPPL1-related conditions. ClinVar contains an entry for this variant (Variation ID: 2163099). An algorithm developed to predict the effect of missense changes on protein structure and function (PolyPhen-2) suggests that this variant is likely to be disruptive. In summary, the available evidence is currently insufficient to determine the role of this variant in disease. Therefore, it has been classified as a Variant of Uncertain Significance.